The following is an entry in ClinVar:

ClinVar aggregate classification (germline): Uncertain significance. Review status: criteria provided, multiple submitters, no conflicts (2 of 4 stars). 3 submissions from 3 submitters: Uncertain significance (3). Last evaluated 2023-11-14.

Conditions:
Inborn genetic diseases. Identifiers: MedGen C0950123, MeSH D030342.
Autosomal recessive nonsyndromic hearing loss 3. Also called: NEUROSENSORY NONSYNDROMIC RECESSIVE DEAFNESS 3. Identifiers: Orphanet 90636, MedGen C1838263, MONDO:0010860, OMIM 600316.

Allele frequency attached by ClinVar (database versions not stated): gnomAD below 0.00001 and 0.00001; TOPMed 0.00001; gnomAD exomes 0.00002 and 0.00003; ExAC 0.00003.
gnomAD v4.1: 38 of 1,613,946 alleles (0.0024%); highest among the groups gnomAD compares: South Asian, 0.035%; 1 homozygote.

Submissions (3):

Ambry Genetics
Classification: Uncertain significance for Inborn genetic diseases. Last evaluated: 2023-11-14. Review status: criteria provided, single submitter. Criteria: Ambry Variant Classification Scheme 2023. Collection method: clinical testing. Allele origin: germline.

Fulgent Genetics
Classification: Uncertain significance for Autosomal recessive nonsyndromic hearing loss 3. Last evaluated: 2022-01-13. Review status: criteria provided, single submitter. Criteria: ACMG Guidelines, 2015. Collection method: clinical testing. Allele origin: unknown.

Laboratory for Molecular Medicine, Mass General Brigham Personalized Medicine
Classification: Uncertain significance. Last evaluated: 2017-08-17. Review status: criteria provided, single submitter. Criteria: LMM Criteria. Collection method: clinical testing. Allele origin: germline. Observed: 1 variant allele.
Comment: The p.Cys3229Tyr variant in MYO15A has not been previously reported in individua ls with hearing loss, but has been identified in 8/30782 South Asian chromosomes by the Genome Aggregation Database (gnomAD; dbSNP rs780798446). Computational prediction tools and conservation analysis sug gest that the variant may impact the protein, though this information is not pre dictive enough to determine pathogenicity. In summary, the clinical significanc e of the p.Cys3229Tyr variant is uncertain.

NM_016239.4(MYO15A):c.9686G>A (p.Cys3229Tyr)

Gene: MYO15A (myosin XVA; plus strand). Cytogenetic location: 17p11.2.
Variant type: single nucleotide variant.
Coding change: c.9686G>A on transcript NM_016239.4 (MANE Select); coding-DNA position 9686, G replaced by A.
Protein change: p.Cys3229Tyr; replaces cysteine 3229 with tyrosine.
Molecular consequence: missense variant.
Genome position (GRCh38, 1-based): chr17:18,163,317, G>A. VCF-style: chr17-18163317-G-A. GRCh37 (hg19) VCF-style: chr17-18066631-G-A.
Other names: short protein forms C3229Y.
Identifiers: ClinVar variation 506014 (VCV000506014.6), dbSNP rs780798446, ClinGen allele CA8425634.